The following is an entry in ClinVar:

ClinVar aggregate classification (germline): Uncertain significance. Review status: criteria provided, multiple submitters, no conflicts (2 of 4 stars). 3 submissions from 3 submitters: Uncertain significance (3). Last evaluated 2025-08-18.

Conditions:
RASopathy. Also called: Noonan spectrum disorder; rasopathies. Identifiers: Orphanet 536391, MedGen C5555857, MONDO:0021060.
CBL-related disorder. Also called: CBL MUTATION-ASSOCIATED SYNDROME; CBL SYNDROME; NOONAN SYNDROME-LIKE DISORDER WITHOUT JUVENILE MYELOMONOCYTIC LEUKEMIA. Identifiers: Orphanet 363972, MedGen C3150803, MONDO:0013308, OMIM 613563.
Cardiovascular phenotype. Identifiers: MedGen CN230736.

Allele frequency attached by ClinVar (database versions not stated): ExAC 0.00002; TOPMed 0.00003; ESP Exome Variant Server 0.00008.
gnomAD v4.1: 9 of 1,613,946 alleles (0.00056%); highest among the groups gnomAD compares: African/African-American, 0.0093%; no homozygotes.

Submissions (3):

Labcorp Genetics (formerly Invitae), Labcorp
Classification: Uncertain significance for RASopathy. Last evaluated: 2025-08-18. Review status: criteria provided, single submitter. Criteria: Invitae Variant Classification Sherloc (09022015). Collection method: clinical testing. Allele origin: germline.
Comment: This sequence change replaces asparagine, which is neutral and polar, with threonine, which is neutral and polar, at codon 616 of the CBL protein (p.Asn616Thr). This variant is present in population databases (rs376094293, gnomAD 0.007%). This variant has not been reported in the literature in individuals affected with CBL-related conditions. ClinVar contains an entry for this variant (Variation ID: 570828). Invitae Evidence Modeling of protein sequence and biophysical properties (such as structural, functional, and spatial information, amino acid conservation, physicochemical variation, residue mobility, and thermodynamic stability) indicates that this missense variant is not expected to disrupt CBL protein function with a negative predictive value of 95%. In summary, the available evidence is currently insufficient to determine the role of this variant in disease. Therefore, it has been classified as a Variant of Uncertain Significance.

Ambry Genetics
Classification: Uncertain significance for Cardiovascular phenotype. Last evaluated: 2025-01-05. Review status: criteria provided, single submitter. Criteria: Ambry Variant Classification Scheme 2023. Collection method: clinical testing. Allele origin: germline.
Comment: The p.N616T variant (also known as c.1847A>C), located in coding exon 11 of the CBL gene, results from an A to C substitution at nucleotide position 1847. The asparagine at codon 616 is replaced by threonine, an amino acid with similar properties. This amino acid position is conserved. In addition, the in silico prediction for this alteration is inconclusive. Since supporting evidence is limited at this time, the clinical significance of this alteration remains unclear.

PreventionGenetics, part of Exact Sciences
Classification: Uncertain significance for CBL-related condition. Last evaluated: 2024-11-11. Review status: criteria provided, single submitter. Criteria: ACMG Guidelines, 2015. Collection method: clinical testing. Allele origin: germline.
Comment: The CBL c.1847A>C variant is predicted to result in the amino acid substitution p.Asn616Thr. To our knowledge, this variant has not been reported in the literature. This variant is reported in 0.0062% of alleles in individuals of African descent in gnomAD. At this time, the clinical significance of this variant is uncertain due to the absence of conclusive functional and genetic evidence.

NM_005188.4(CBL):c.1847A>C (p.Asn616Thr)

Gene: CBL (Cbl proto-oncogene; plus strand). Cytogenetic location: 11q23.3.
Variant type: single nucleotide variant.
Coding change: c.1847A>C on transcript NM_005188.4 (MANE Select); coding-DNA position 1847, A replaced by C.
Protein change: p.Asn616Thr; replaces asparagine 616 with threonine.
Molecular consequence: missense variant.
Genome position (GRCh38, 1-based): chr11:119,285,472, A>C. VCF-style: chr11-119285472-A-C. GRCh37 (hg19) VCF-style: chr11-119156182-A-C.
Other names: short protein forms N616T.
Identifiers: ClinVar variation 570828 (VCV000570828.10), dbSNP rs376094293, ClinGen allele CA6318616.